The following is an entry in ClinVar:

ClinVar aggregate classification (germline): Likely benign (0 of 4 stars; one submission).

Conditions:
PCDHA9-related disorder. Also called: PCDHA9-related condition.

Allele frequency attached by ClinVar (database versions not stated): TOPMed 0.00017; gnomAD 0.00012.
gnomAD v4.1: 483 of 1,598,228 alleles (0.03%); highest among the groups gnomAD compares: Non-Finnish European, 0.038%; 44 homozygotes.

Submission:

PreventionGenetics, part of Exact Sciences
Classification: Likely benign for PCDHA9-related condition. Last evaluated: 2020-10-12. Review status: no assertion criteria provided. Collection method: clinical testing. Allele origin: germline.
Comment: This variant is classified as likely benign based on ACMG/AMP sequence variant interpretation guidelines (Richards et al. 2015 PMID: 25741868, with internal and published modifications).

NM_031857.2(PCDHA9):c.2199G>A (p.Ala733=)

Genes: PCDHA1 (protocadherin alpha 1; plus strand), PCDHA2 (protocadherin alpha 2; plus strand), PCDHA3 (protocadherin alpha 3; plus strand), PCDHA4 (protocadherin alpha 4; plus strand), PCDHA5 (protocadherin alpha 5; plus strand) and 5 more. Cytogenetic location: 5q31.3.
Variant type: single nucleotide variant.
Coding change: c.2199G>A on transcript NM_031857.2 (MANE Select); coding-DNA position 2199, G replaced by A.
Protein change: p.Ala733=; no amino-acid change (alanine 733 retained).
Molecular consequence: synonymous variant. On other transcripts: intron variant (10).
Genome position (GRCh38, 1-based): chr5:140,850,694, G>A. VCF-style: chr5-140850694-G-A. GRCh37 (hg19) VCF-style: chr5-140230279-G-A.
Other names: c.2199G>A, p.Ala733= (NM_014005.5); c.2394+62010G>A (NM_018900.4); c.1602+62802G>A (NM_031411.3); c.2388+53342G>A (NM_018905.3); c.2394+47103G>A (NM_018906.3); c.2385+41122G>A (NM_018907.4); c.2352+26567G>A (NM_018908.3); c.2394+20209G>A (NM_018909.4); and 3 more.
Identifiers: ClinVar variation 3052270 (VCV003052270.2), dbSNP rs373763041, ClinGen allele CA3450740.